The following is an entry in ClinVar:

NM_014855.3(AP5Z1):c.2037C>G (p.Phe679Leu)

Gene: AP5Z1 (adaptor related protein complex 5 subunit zeta 1; plus strand). Cytogenetic location: 7p22.1.
Variant type: single nucleotide variant.
Coding change: c.2037C>G on transcript NM_014855.3 (MANE Select); coding-DNA position 2037, C replaced by G.
Protein change: p.Phe679Leu; replaces phenylalanine 679 with leucine.
Molecular consequence: missense variant. On other transcripts: non-coding transcript variant (1).
Genome position (GRCh38, 1-based): chr7:4,790,771, C>G. VCF-style: chr7-4790771-C-G. GRCh37 (hg19) VCF-style: chr7-4830402-C-G.
Other names: c.2037C>G (NM_014855.2); c.1569C>G, p.Phe523Leu (NM_001364858.1); short protein forms F523L, F679L.
Identifiers: ClinVar variation 2142573 (VCV002142573.5), dbSNP rs569992088, ClinGen allele CA153034143.

ClinVar aggregate classification (germline): Uncertain significance. Review status: criteria provided, multiple submitters, no conflicts (2 of 4 stars). 2 submissions from 2 submitters: Uncertain significance (2). Last evaluated 2025-05-20.

Conditions:
Hereditary spastic paraplegia 48. Also called: Spastic paraplegia 48; SPASTIC PARAPLEGIA 48, AUTOSOMAL RECESSIVE. Identifiers: Orphanet 306511, MedGen C3150901, MONDO:0013342, OMIM 613647.
Inborn genetic diseases. Identifiers: MedGen C0950123, MeSH D030342.

Allele frequency attached by ClinVar (database versions not stated): 1000 Genomes Project 30x 0.00016; 1000 Genomes Project 0.00020.
gnomAD v4.1: 10 of 1,608,704 alleles (0.00062%); highest among the groups gnomAD compares: Admixed American, 0.015%; no homozygotes.

Submissions (2):

Ambry Genetics
Classification: Uncertain significance for Inborn genetic diseases. Last evaluated: 2025-05-20. Review status: criteria provided, single submitter. Criteria: Ambry Variant Classification Scheme 2023. Collection method: clinical testing. Allele origin: germline.

Labcorp Genetics (formerly Invitae), Labcorp
Classification: Uncertain significance for Hereditary spastic paraplegia 48. Last evaluated: 2023-12-22. Review status: criteria provided, single submitter. Criteria: Invitae Variant Classification Sherloc (09022015). Collection method: clinical testing. Allele origin: germline.
Comment: This sequence change replaces phenylalanine, which is neutral and non-polar, with leucine, which is neutral and non-polar, at codon 679 of the AP5Z1 protein (p.Phe679Leu). This variant is present in population databases (rs569992088, gnomAD 0.003%). This variant has not been reported in the literature in individuals affected with AP5Z1-related conditions. ClinVar contains an entry for this variant (Variation ID: 2142573). Advanced modeling of protein sequence and biophysical properties (such as structural, functional, and spatial information, amino acid conservation, physicochemical variation, residue mobility, and thermodynamic stability) has been performed at Invitae for this missense variant, however the output from this modeling did not meet the statistical confidence thresholds required to predict the impact of this variant on AP5Z1 protein function. In summary, the available evidence is currently insufficient to determine the role of this variant in disease. Therefore, it has been classified as a Variant of Uncertain Significance.